The following is an entry in ClinVar:

NM_001372044.2(SHANK3):c.1065C>T (p.Asn355=)

Gene: SHANK3 (SH3 and multiple ankyrin repeat domains 3; plus strand). Cytogenetic location: 22q13.33.
Variant type: single nucleotide variant.
Coding change: c.1065C>T on transcript NM_001372044.2 (MANE Select); coding-DNA position 1065, C replaced by T.
Protein change: p.Asn355=; no amino-acid change (asparagine 355 retained).
Molecular consequence: synonymous variant.
Genome position (GRCh38, 1-based): chr22:50,679,383, C>T. VCF-style: chr22-50679383-C-T. GRCh37 (hg19) VCF-style: chr22-51117811-C-T.
Other names: c.840C>T (NM_033517.1).
Identifiers: ClinVar variation 4977650 (VCV004977650.1).
Genomic context (GRCh38, chr22:50,679,383, plus strand): 5'-TGGGCACGTGCAGCATCTGGAGCACCTGCTGTTCTATGGGGCAGACATGGGGGCCCAGAA[C>T]GCCTCGGGGAACACAGCCCTGCACATCTGTGCCCTCTACAACCAGGTGCGACTGTGTGTC-3'
Protein context (NP_001358973.1, residues 345-365): LFYGADMGAQ[Asn355=]ASGNTALHIC

ClinVar aggregate classification (germline): Likely benign (1 of 4 stars; one submission).

Conditions:
SHANK3-related disorder. Also called: SHANK3-related condition.

Submission:

PreventionGenetics, part of Exact Sciences
Classification: Likely benign for SHANK3-related condition. Last evaluated: 2024-12-23. Review status: criteria provided, single submitter. Criteria: ACMG Guidelines, 2015. Collection method: clinical testing. Allele origin: germline.
Comment: This variant is classified as likely benign based on ACMG/AMP sequence variant interpretation guidelines (Richards et al. 2015 PMID: 25741868, with internal and published modifications).